The following continues an entry in ClinVar:

NM_001164508.2(NEB):c.19944G>A (p.Ser6648=)

Gene: NEB. ClinVar aggregate classification (germline): Pathogenic. Pathogenic (1).

Submissions 7 to 20 of 20:

Victorian Clinical Genetics Services, Murdoch Childrens Research Institute
Classification: Pathogenic for Nemaline myopathy 2. Last evaluated: 2024-10-09. Review status: criteria provided, single submitter. Criteria: ACMG Guidelines, 2015. Collection method: clinical testing. Allele origin: germline. Inheritance: Autosomal recessive inheritance. Affected: yes. Not counted in ClinVar's aggregate classification.
Comment: Based on the classification scheme VCGS_Germline_v1.3.4, this variant is classified as Pathogenic. Following criteria are met: 0102 - Loss of function is a known mechanism of disease in this gene and is associated with arthrogryposis multiplex congenita 6 (MIM#619334) and nemaline myopathy 2 (MIM#256030). (I) 0106 - This gene is associated with autosomal recessive disease. (I) 0210 - Splice site variant proven to affect splicing of the transcript with known effect on protein sequence. RT-PCR studies on blood from an individual homozygous for this variant have shown it causes loss of the canonical donor splice site, and gain of a cryptic splice site in the intron. This causes the retention of 120 intronic nucleotides creating a premature stop codon that is expected to lead to nonsense-mediated decay (PMID: 26841830). (SP) 0251 - This variant is heterozygous. (I) 0304 - Variant is present in gnomAD (v2) <0.01 for a recessive condition (7 heterozygotes, 0 homozygotes). (SP) 0801 - This variant has strong previous evidence of pathogenicity in unrelated individuals. This variant has been classified as pathogenic or likely pathogenic by multiple clinical laboratories in ClinVar, and has been observed as homozygous or compound heterozygous in individuals with congenital myopathy in the literature (PMIDs: 26841830, 35081925). (I) Legend: (SP) - Supporting pathogenic, (I) - Information, (SB) - Supporting benign

Fulgent Genetics
Classification: Pathogenic for Nemaline myopathy 2; Arthrogryposis multiplex congenita 6. Last evaluated: 2024-06-06. Review status: criteria provided, single submitter. Criteria: ACMG Guidelines, 2015. Collection method: clinical testing. Allele origin: germline. Not counted in ClinVar's aggregate classification.

Baylor Genetics
Classification: Pathogenic for Arthrogryposis multiplex congenita 6. Last evaluated: 2024-03-09. Review status: criteria provided, single submitter. Criteria: ACMG Guidelines, 2015. Collection method: clinical testing. Allele origin: unknown. Not counted in ClinVar's aggregate classification.

Muscle and Diseases Team, Institut de Génétique et Biologie Moléculaire et Cellulaire
Classification: Uncertain significance for Nemaline myopathy 2. Last evaluated: 2024-03-01. Review status: criteria provided, single submitter. Criteria: ACMG Guidelines, 2015. Collection method: research. Allele origin: maternal. Affected: yes. Observed: 1 variant allele. Not counted in ClinVar's aggregate classification.
Comment: PM3+PM2+PP3

PreventionGenetics, part of Exact Sciences
Classification: Pathogenic for NEB-related condition. Last evaluated: 2023-05-26. Review status: criteria provided, single submitter. Criteria: ACMG Guidelines, 2015. Collection method: clinical testing. Allele origin: germline. Not counted in ClinVar's aggregate classification.
Comment: The NEB c.19944G>A variant is not predicted to result in an amino acid change (p.=). This variant is predicted to abolish the adjacent splice donor site (Alamut Visual Plus v1.6.1). This variant has been reported along with a second putative disease-causing variant in multiple individuals with nemaline myopathy; in most cases parental testing confirmed the variants were on opposite alleles (Lehtokari et al 2014. PubMed ID: 25205138; Wang Q et al 2020. PubMed ID: 32222963; Zhang Y et al 2022. PubMed ID: 35081925). This variant is reported in 0.011% of alleles in individuals of East Asian descent in gnomAD. This variant is interpreted as pathogenic.

Blueprint Genetics
Classification: Pathogenic for NEB-related disorders. Last evaluated: 2022-12-15. Review status: criteria provided, single submitter. Criteria: ACMG Guidelines, 2015. Collection method: clinical testing. Allele origin: germline. Affected: yes. Observed: 3 variant alleles. Not counted in ClinVar's aggregate classification.

Dasa
Classification: Pathogenic for Arthrogryposis multiplex congenita 6. Last evaluated: 2022-02-14. Review status: criteria provided, single submitter. Criteria: ACMG Guidelines, 2015. Collection method: clinical testing. Allele origin: germline. Affected: yes. Observed: 1 variant allele. Not counted in ClinVar's aggregate classification.
Comment: This sequence change has been observed in affected individual(s) and ClinVar contains an entry for this variant (ClinVar ID: 235402; PMID: 9536098; 17576681; 32721234; 32222963; 26841830; 26403434; 25205138) - PS4. The variant is present at low allele frequencies population databases (rs201553266 - gnomAD 0.00006573%; ABraOM no frequency) - PM2_supporting. The p.(Ser6648=) was detected in trans with a pathogenic variant (PMID: 9536098; 17576681; 32721234) - PM3_strong. Multiple lines of computational evidence support a deleterious effect on the gene or gene product - PP3. In summary, the currently available evidence indicates that the variant is pathogenic.

Kariminejad - Najmabadi Pathology & Genetics Center
Classification: Likely pathogenic for Nemaline myopathy 2. Last evaluated: 2020-10-12. Review status: criteria provided, single submitter. Criteria: ACMG Guidelines, 2015. Collection method: clinical testing. Allele origin: germline. Inheritance: Autosomal recessive inheritance. Affected: yes. Not counted in ClinVar's aggregate classification.
Comment: PVS1,PM2

Women's Health and Genetics/Laboratory Corporation of America, LabCorp
Classification: Pathogenic for Nemaline myopathy. Last evaluated: 2018-06-12. Review status: criteria provided, single submitter. Criteria: LabCorp Variant Classification Summary - May 2015. Collection method: clinical testing. Allele origin: germline. Not counted in ClinVar's aggregate classification.
Comment: Variant summary: NEB c.19944G>A (p.Ser6648Ser) alters a non-conserved nucleotide that is the last nucleotide of an exon and therefore could affect mRNA splicing, leading to a significantly altered protein sequence. Several computational tools predict a significant impact on normal splicing: Three predict the variant abolishes a 5' splicing donor site, while two predict the variant weakens a 5' donor site. These predictions are supported by functional evidence reported by Oliveira_2016 using whole blood from a homozygous patient, which showed the preferential use of a cryptic splice site, leading to a predicted truncation of the protein. Truncations downstream of this variant have been classified as pathogenic by our laboratory (e.g., p.Arg7026X and p.Leu8137fsX18). The variant allele was found at a frequency of 2.9e-05 in 245250 control chromosomes, which does not exceed the maximal expected allele frequency for a pathogenic variant in NEB. c.19944G>A has been reported in the literature in several individuals affected with Nemaline Myopathy 2, including both homozygous and compound heterozygous patients, indicating that the variant is likely to be associated with disease. Four clinical diagnostic laboratories have submitted clinical-significance assessments for this variant to ClinVar after 2014 with conflicting assessments, including pathogenic (1x), likely pathogenic (2x), and VUS (1x). Based on the evidence outlined above, the variant was classified as pathogenic.

Eurofins Ntd Llc (ga)
Classification: Uncertain significance. Last evaluated: 2017-02-24. Review status: criteria provided, single submitter. Criteria: EGL Classification Definitions 2015. Collection method: clinical testing. Allele origin: germline. Observed: 1 variant allele, 1 heterozygote. Not counted in ClinVar's aggregate classification.

Ambry Genetics
Classification: Likely pathogenic for Inborn genetic diseases. Last evaluated: 2015-06-12. Review status: criteria provided, single submitter. Criteria: Ambry exome assertion method (8-5-2015). Collection method: clinical testing. Allele origin: germline. Affected: yes. Observed: 1 variant allele. Not counted in ClinVar's aggregate classification.

Center for Pediatric Genomic Medicine, Children's Mercy Hospital and Clinics
Classification: Pathogenic. Last evaluated: 2014-08-13. Review status: criteria provided, single submitter. Criteria: ACMG Guidelines, 2015. Collection method: clinical testing. Allele origin: germline. Not counted in ClinVar's aggregate classification.

Juno Genomics, Hangzhou Juno Genomics, Inc
Classification: Pathogenic for Nemaline myopathy 2; Arthrogryposis multiplex congenita 6. Review status: criteria provided, single submitter. Criteria: ACMG Guidelines, 2015. Collection method: clinical testing. Allele origin: germline. Affected: yes. Not counted in ClinVar's aggregate classification.
Comment: Well-established in vitro or in vivo functional studies supportive of a damaging effect on the gene or gene product.;Absent from controls (or at extremely low frequency if recessive) in Genome Aggregation Database, Exome Sequencing Project, 1000 Genomes Project, or Exome Aggregation Consortium.;For recessive disorders, detected in trans with a pathogenic variant.;Patient's phenotype or family history is highly specific for a disease with a single genetic etiology.

Counsyl
Classification: Likely pathogenic for Nemaline myopathy 2. Last evaluated: 2018-07-30. Review status: no assertion criteria provided. Collection method: clinical testing. Allele origin: unknown. Not counted in ClinVar's aggregate classification.

Literature cited by the submitters: PubMed 25205148 (cited by Labcorp Genetics (formerly Invitae), Labcorp); PubMed 17576681 (cited by Labcorp Genetics (formerly Invitae), Labcorp and Dasa); PubMed 9536098 (cited by Labcorp Genetics (formerly Invitae), Labcorp and Dasa); PubMed 36233295 (cited by Natera, Inc. and Muscle and Diseases Team, Institut de Génétique et Biologie Moléculaire et Cellulaire); PubMed 37460656 (cited by Natera, Inc.); PubMed 26841830 (cited by 5 submitters); PubMed 35081925 (cited by Victorian Clinical Genetics Services, Murdoch Childrens Research Institute); DOI 10.1186/s13073-024-01353-0 (cited by Muscle and Diseases Team, Institut de Génétique et Biologie Moléculaire et Cellulaire); PubMed 25205138 (cited by 3 submitters); PubMed 32721234 (cited by Dasa); PubMed 32222963 (cited by Dasa); PubMed 26403434 (cited by Dasa and Counsyl).